The following is an entry in ClinVar:

NM_000428.3(LTBP2):c.4147del (p.Glu1383fs)

Gene: LTBP2 (latent transforming growth factor beta binding protein 2; minus strand). Cytogenetic location: 14q24.3.
Variant type: Deletion.
Coding change: c.4147del on transcript NM_000428.3 (MANE Select); coding-DNA position 4147, one base deleted (G; older notation c.4147delG).
Protein change: p.Glu1383fs; shifts the reading frame from glutamic acid 1383.
Molecular consequence: frameshift variant.
Genome position (GRCh38, 1-based): chr14:74,506,078, C deleted on the plus strand (G on the coding strand, the reverse complement: LTBP2 is on the minus strand); the first of 2 consecutive C bases (chr14:74,506,078-74,506,079); deleting either gives the same sequence. VCF-style (leftmost placement, unchanged base first): chr14-74506077-TC-T. GRCh37 (hg19) VCF-style: chr14-74972780-TC-T.
Other names: short protein forms E1383fs.
Identifiers: ClinVar variation 3687693 (VCV003687693.2).

ClinVar aggregate classification (germline): Pathogenic (1 of 4 stars; one submission).

Submission:

Labcorp Genetics (formerly Invitae), Labcorp
Classification: Pathogenic. Last evaluated: 2024-11-16. Review status: criteria provided, single submitter. Criteria: Invitae Variant Classification Sherloc (09022015). Collection method: clinical testing. Allele origin: germline.
Comment: This sequence change creates a premature translational stop signal (p.Glu1383Argfs*108) in the LTBP2 gene. It is expected to result in an absent or disrupted protein product. Loss-of-function variants in LTBP2 are known to be pathogenic (PMID: 19361779, 19656777, 22025892). This variant is not present in population databases (gnomAD no frequency). This variant has not been reported in the literature in individuals affected with LTBP2-related conditions. For these reasons, this variant has been classified as Pathogenic.

Literature cited by the submitters: PubMed 19361779; PubMed 19656777; PubMed 22025892.